The following is an entry in ClinVar:

ClinVar aggregate classification (germline): Likely benign (1 of 4 stars; one submission).

Submission:

Laboratory for Molecular Medicine, Mass General Brigham Personalized Medicine
Classification: Likely benign. Last evaluated: 2015-11-05. Review status: criteria provided, single submitter. Criteria: LMM Criteria. Collection method: clinical testing. Allele origin: germline. Observed: 1 variant allele.
Comment: p.Ser445Ser in exon 10B of P2RX2: This variant is not expected to have clinical significance because it does not alter an amino acid residue and is not located within the splice consensus sequence.

NM_170682.4(P2RX2):c.1257A>C (p.Ser419=)

Gene: P2RX2 (purinergic receptor P2X 2; plus strand). Cytogenetic location: 12q24.33.
Variant type: single nucleotide variant.
Coding change: c.1257A>C on transcript NM_170682.4 (MANE Select); coding-DNA position 1257, A replaced by C.
Protein change: p.Ser419=; no amino-acid change (serine 419 retained).
Molecular consequence: synonymous variant. On other transcripts: 3 prime UTR variant (1), intron variant (2).
Genome position (GRCh38, 1-based): chr12:132,621,813, A>C. VCF-style: chr12-132621813-A-C. GRCh37 (hg19) VCF-style: chr12-133198399-A-C.
Other names: c.*304A>C (NM_001282165.2); c.1041A>C, p.Ser347= (NM_012226.5); c.1185A>C, p.Ser395= (NM_016318.4); c.1335A>C, p.Ser445= (NM_170683.4); c.981A>C, p.Ser327= (NM_174872.3); c.1141-85A>C (NM_174873.3); c.1039-85A>C (NM_001282164.2).
Identifiers: ClinVar variation 227829 (VCV000227829.5), dbSNP rs876657561, ClinGen allele CA10576911.